The following is an entry in ClinVar:

ClinVar aggregate classification (germline): Pathogenic. Review status: criteria provided, multiple submitters, no conflicts (2 of 4 stars). 2 submissions from 2 submitters: Pathogenic (2). Last evaluated 2024-09-05.

Conditions:
Hereditary cancer-predisposing syndrome. Also called: Hereditary Cancer Syndrome; Neoplastic Syndromes, Hereditary; Hereditary neoplastic syndrome; Tumor predisposition. Identifiers: Orphanet 140162, MedGen C0027672, MeSH D009386, MONDO:0015356.

Submissions (2):

ARUP Laboratories, Molecular Genetics and Genomics, ARUP Laboratories
Classification: Pathogenic. Last evaluated: 2024-09-05. Review status: criteria provided, single submitter. Criteria: ARUP Molecular Germline Variant Investigation Process 2024. Collection method: clinical testing. Allele origin: germline.
Comment: The MEN1 c.223del; p.Leu75SerfsTer44 variant (rs1114167485), to our knowledge, is not reported in the medical literature but is reported in ClinVar (Variation ID: 428021). This variant is absent from the Genome Aggregation Database (v2.1.1), indicating it is not a common polymorphism. This variant causes a frameshift by deleting a single nucleotide, so it is predicted to result in a truncated protein or mRNA subject to nonsense-mediated decay. Based on available information, this variant is considered to be pathogenic.

Ambry Genetics
Classification: Pathogenic for Hereditary cancer-predisposing syndrome. Last evaluated: 2013-06-11. Review status: criteria provided, single submitter. Criteria: Ambry Autosomal Dominant and X-Linked criteria (10/2015). Collection method: clinical testing. Allele origin: germline. Observed: 1 variant allele.
Comment: This alteration is expected to result in loss of function by premature protein truncation or nonsense-mediatedâ€¯mRNAâ€¯decay.â€¯As such, this alteration is interpreted as a disease-causing mutation.

NM_001370259.2(MEN1):c.223del (p.Leu75fs)

Gene: MEN1 (menin 1; minus strand). Cytogenetic location: 11q13.1.
Variant type: Deletion.
Coding change: c.223del on transcript NM_001370259.2 (MANE Select); coding-DNA position 223, one base deleted (C; older notation c.223delC).
Protein change: p.Leu75fs; shifts the reading frame from leucine 75.
Molecular consequence: frameshift variant.
Genome position (GRCh38, 1-based): chr11:64,809,887, G deleted on the plus strand (C on the coding strand, the reverse complement: MEN1 is on the minus strand); the first of 2 consecutive G bases (chr11:64,809,887-64,809,888); deleting either gives the same sequence. VCF-style (leftmost placement, unchanged base first): chr11-64809886-AG-A. GRCh37 (hg19) VCF-style: chr11-64577358-AG-A.
Other names: c.223del, p.Leu75fs (NM_130804.3, NM_001370251.2, NM_130800.3 and 9 more transcripts); c.223delC (NM_130799.2); short protein forms L75fs.
Identifiers: ClinVar variation 428021 (VCV000428021.5), dbSNP rs1114167485, ClinGen allele CA645369562.